The following is an entry in ClinVar:

ClinVar aggregate classification (germline): Uncertain significance (1 of 4 stars; one submission).

Conditions:
Progressive familial heart block type IB (PFHB1B). Identifiers: Orphanet 871, MedGen C1970298, MONDO:0011474, OMIM 604559.

Submission:

Labcorp Genetics (formerly Invitae), Labcorp
Classification: Uncertain significance for Progressive familial heart block type IB. Last evaluated: 2025-08-20. Review status: criteria provided, single submitter. Criteria: Invitae Variant Classification Sherloc (09022015). Collection method: clinical testing. Allele origin: germline.
Comment: This sequence change replaces histidine, which is basic and polar, with tyrosine, which is neutral and polar, at codon 889 of the TRPM4 protein (p.His889Tyr). This variant is not present in population databases (gnomAD no frequency). This variant has not been reported in the literature in individuals affected with TRPM4-related conditions. An algorithm developed to predict the effect of missense changes on protein structure and function (PolyPhen-2) suggests that this variant is likely to be tolerated. In summary, the available evidence is currently insufficient to determine the role of this variant in disease. Therefore, it has been classified as a Variant of Uncertain Significance.

NM_017636.4(TRPM4):c.2665C>T (p.His889Tyr)

Gene: TRPM4 (transient receptor potential cation channel subfamily M member 4; plus strand). Cytogenetic location: 19q13.33.
Variant type: single nucleotide variant.
Coding change: c.2665C>T on transcript NM_017636.4 (MANE Select); coding-DNA position 2665, C replaced by T.
Protein change: p.His889Tyr; replaces histidine 889 with tyrosine.
Molecular consequence: missense variant.
Genome position (GRCh38, 1-based): chr19:49,200,319, C>T. VCF-style: chr19-49200319-C-T. GRCh37 (hg19) VCF-style: chr19-49703576-C-T.
Other names: c.2230C>T, p.His744Tyr (NM_001195227.2); c.2320C>T, p.His774Tyr (NM_001321281.2); c.1057C>T, p.His353Tyr (NM_001321282.2); c.2143C>T, p.His715Tyr (NM_001321283.2); c.1603C>T, p.His535Tyr (NM_001321285.2); short protein forms H353Y, H744Y, H889Y, H535Y, H715Y, H774Y.
Identifiers: ClinVar variation 4726555 (VCV004726555.1).